The following is an entry in ClinVar:

NM_003803.4(MYOM1):c.4421G>A (p.Gly1474Asp)

Gene: MYOM1 (myomesin 1; minus strand). Cytogenetic location: 18p11.31.
Variant type: single nucleotide variant.
Coding change: c.4421G>A on transcript NM_003803.4 (MANE Select); coding-DNA position 4421, G replaced by A.
Protein change: p.Gly1474Asp; replaces glycine 1474 with aspartic acid.
Molecular consequence: missense variant.
Genome position (GRCh38, 1-based): chr18:3,083,852, C>T on the plus strand (G>A on the coding strand, the complement: MYOM1 is on the minus strand). VCF-style: chr18-3083852-C-T. GRCh37 (hg19) VCF-style: chr18-3083850-C-T.
Other names: c.4133G>A, p.Gly1378Asp (NM_019856.2); short protein forms G1474D, G1378D.
Identifiers: ClinVar variation 1903893 (VCV001903893.7), dbSNP rs765506987, ClinGen allele CA8873944.

ClinVar aggregate classification (germline): Uncertain significance. Review status: criteria provided, multiple submitters, no conflicts (2 of 4 stars). 2 submissions from 2 submitters: Uncertain significance (2). Last evaluated 2024-02-26.

Conditions:
Hypertrophic cardiomyopathy. Also called: HYPERTROPHIC MYOCARDIOPATHY. Identifiers: Orphanet 217569, MedGen C0007194, MeSH D002312, MONDO:0005045, HP:0001639.

Allele frequency attached by ClinVar (database versions not stated): gnomAD 0.00001; ExAC 0.00003; TOPMed 0.00003.
gnomAD v4.1: 9 of 1,584,022 alleles (0.00057%); highest among the groups gnomAD compares: South Asian, 0.0058%; no homozygotes.

Submissions (2):

Ambry Genetics
Classification: Uncertain significance. Last evaluated: 2024-02-26. Review status: criteria provided, single submitter. Criteria: Ambry Variant Classification Scheme 2023. Collection method: clinical testing. Allele origin: germline.
Comment: The p.G1474D variant (also known as c.4421G>A), located in coding exon 32 of the MYOM1 gene, results from a G to A substitution at nucleotide position 4421. The glycine at codon 1474 is replaced by aspartic acid, an amino acid with similar properties. This amino acid position is conserved. In addition, this alteration is predicted to be deleterious by in silico analysis. Based on the available evidence, the clinical significance of this alteration remains unclear.

Labcorp Genetics (formerly Invitae), Labcorp
Classification: Uncertain significance for Hypertrophic cardiomyopathy. Last evaluated: 2022-04-04. Review status: criteria provided, single submitter. Criteria: Invitae Variant Classification Sherloc (09022015). Collection method: clinical testing. Allele origin: germline.
Comment: This sequence change replaces glycine, which is neutral and non-polar, with aspartic acid, which is acidic and polar, at codon 1474 of the MYOM1 protein (p.Gly1474Asp). The frequency data for this variant in the population databases is considered unreliable, as metrics indicate poor data quality at this position in the gnomAD database. This variant has not been reported in the literature in individuals affected with MYOM1-related conditions. Algorithms developed to predict the effect of missense changes on protein structure and function are either unavailable or do not agree on the potential impact of this missense change (SIFT: "Deleterious"; PolyPhen-2: "Probably Damaging"; Align-GVGD: "Class C0"). In summary, the available evidence is currently insufficient to determine the role of this variant in disease. Therefore, it has been classified as a Variant of Uncertain Significance.